The following is an entry in ClinVar:

ClinVar aggregate classification (germline): Uncertain significance. Review status: criteria provided, single submitter (1 of 4 stars). 2 submissions from 2 submitters: Uncertain significance (1). 1 of the submissions does not count toward it. Last evaluated 2025-10-21.

Conditions:
TBX1-related disorder. Also called: TBX1-Related Disorders; TBX1-related condition.
DiGeorge syndrome. Also called: Catch22; THIRD AND FOURTH PHARYNGEAL POUCH SYNDROME. Identifiers: Orphanet 567, MedGen C0012236, MONDO:0008564, OMIM 188400.

gnomAD v4.1: 7 of 1,613,934 alleles (0.00043%); highest among the groups gnomAD compares: Non-Finnish European, 0.00042%; no homozygotes.

Submissions (2):

Labcorp Genetics (formerly Invitae), Labcorp
Classification: Uncertain significance for DiGeorge syndrome. Last evaluated: 2025-10-21. Review status: criteria provided, single submitter. Criteria: Invitae Variant Classification Sherloc (09022015). Collection method: clinical testing. Allele origin: germline.
Comment: This sequence change replaces arginine, which is basic and polar, with histidine, which is basic and polar, at codon 169 of the TBX1 protein (p.Arg169His). This variant is present in population databases (rs754818295, gnomAD 0.004%). This variant has not been reported in the literature in individuals affected with TBX1-related conditions. ClinVar contains an entry for this variant (Variation ID: 3351074). Invitae Evidence Modeling of protein sequence and biophysical properties (such as structural, functional, and spatial information, amino acid conservation, physicochemical variation, residue mobility, and thermodynamic stability) has been performed for this missense variant. However, the output from this modeling did not meet the statistical confidence thresholds required to predict the impact of this variant on TBX1 protein function. In summary, the available evidence is currently insufficient to determine the role of this variant in disease. Therefore, it has been classified as a Variant of Uncertain Significance.

PreventionGenetics, part of Exact Sciences
Classification: Uncertain significance for TBX1-related condition. Last evaluated: 2024-08-14. Review status: no assertion criteria provided. Collection method: clinical testing. Allele origin: germline. Not counted in ClinVar's aggregate classification.
Comment: The TBX1 c.506G>A variant is predicted to result in the amino acid substitution p.Arg169His. To our knowledge, this variant has not been reported in the literature. This variant is reported in 0.0040% of alleles in individuals of European (Finnish) descent in gnomAD. At this time, the clinical significance of this variant is uncertain due to the absence of conclusive functional and genetic evidence.

NM_001379200.1(TBX1):c.533G>A (p.Arg178His)

Gene: TBX1 (T-box transcription factor 1; plus strand). Cytogenetic location: 22q11.21.
Variant type: single nucleotide variant.
Coding change: c.533G>A on transcript NM_001379200.1 (MANE Select); coding-DNA position 533, G replaced by A.
Protein change: p.Arg178His; replaces arginine 178 with histidine.
Molecular consequence: missense variant.
Genome position (GRCh38, 1-based): chr22:19,763,336, G>A. VCF-style: chr22-19763336-G-A. GRCh37 (hg19) VCF-style: chr22-19750859-G-A.
Other names: c.506G>A, p.Arg169His (NM_005992.1, NM_080646.2, NM_080647.1); short protein forms R169H, R178H.
Identifiers: ClinVar variation 3351074 (VCV003351074.2).